The following is an entry in ClinVar:

ClinVar aggregate classification (germline): Uncertain significance. Review status: criteria provided, multiple submitters, no conflicts (2 of 4 stars). 2 submissions from 2 submitters: Uncertain significance (2). Last evaluated 2026-07-06.

Conditions:
Mitochondrial complex II deficiency, nuclear type 1. Also called: SUCCINATE CoQ REDUCTASE DEFICIENCY. Identifiers: Orphanet 3208, MedGen C5700310, MONDO:0100294, OMIM 252011.
Pheochromocytoma/paraganglioma syndrome 5. Also called: Paragangliomas 5; SDHA-Related Hereditary Paraganglioma-Pheochromocytoma Syndrome. Identifiers: Orphanet 29072, MedGen C3279992, MONDO:0013602, OMIM 614165.
Hereditary cancer-predisposing syndrome. Also called: Hereditary neoplastic syndrome; Neoplastic Syndromes, Hereditary; Tumor predisposition; Hereditary Cancer Syndrome. Identifiers: Orphanet 140162, MedGen C0027672, MeSH D009386, MONDO:0015356.

Allele frequency attached by ClinVar (database versions not stated): gnomAD exomes below 0.00001; ExAC 0.00001.
gnomAD v4.1: 4 of 1,613,910 alleles (0.00025%); highest among the groups gnomAD compares: South Asian, 0.0033%; no homozygotes.

Submissions (2):

Ambry Genetics
Classification: Uncertain significance for Hereditary cancer-predisposing syndrome. Last evaluated: 2026-07-06. Review status: criteria provided, single submitter. Criteria: Ambry Variant Classification Scheme 2023. Collection method: clinical testing. Allele origin: germline.
Comment: The p.A146T variant (also known as c.436G>A), located in coding exon 4 of the SDHA gene, results from a G to A substitution at nucleotide position 436. The alanine at codon 146 is replaced by threonine, an amino acid with similar properties. This amino acid position is conserved. In addition, this alteration is predicted to be deleterious by in silico analysis. Based on the available evidence, the clinical significance of this variant remains unclear.

Labcorp Genetics (formerly Invitae), Labcorp
Classification: Uncertain significance for Pheochromocytoma/paraganglioma syndrome 5; Mitochondrial complex II deficiency, nuclear type 1. Last evaluated: 2022-10-13. Review status: criteria provided, single submitter. Criteria: Invitae Variant Classification Sherloc (09022015). Collection method: clinical testing. Allele origin: germline.
Comment: In summary, the available evidence is currently insufficient to determine the role of this variant in disease. Therefore, it has been classified as a Variant of Uncertain Significance. Algorithms developed to predict the effect of missense changes on protein structure and function (SIFT, PolyPhen-2, Align-GVGD) all suggest that this variant is likely to be disruptive. This variant has not been reported in the literature in individuals affected with SDHA-related conditions. This variant is present in population databases (rs773634017, gnomAD 0.003%). This sequence change replaces alanine, which is neutral and non-polar, with threonine, which is neutral and polar, at codon 146 of the SDHA protein (p.Ala146Thr).

NM_004168.4(SDHA):c.436G>A (p.Ala146Thr)

Gene: SDHA (succinate dehydrogenase complex flavoprotein subunit A; plus strand). Cytogenetic location: 5p15.33.
Variant type: single nucleotide variant.
Coding change: c.436G>A on transcript NM_004168.4 (MANE Select); coding-DNA position 436, G replaced by A.
Protein change: p.Ala146Thr; replaces alanine 146 with threonine.
Molecular consequence: missense variant. On other transcripts: intron variant (1).
Genome position (GRCh38, 1-based): chr5:225,542, G>A. VCF-style: chr5-225542-G-A. GRCh37 (hg19) VCF-style: chr5-225657-G-A.
Other names: c.436G>A (NM_004168.2); c.436G>A, p.Ala146Thr (NM_001330758.2); c.313-341G>A (NM_001294332.2); short protein forms A146T.
Identifiers: ClinVar variation 2048783 (VCV002048783.5), dbSNP rs773634017, ClinGen allele CA3172817.
Genomic context (GRCh38, chr5:225,542, plus strand): 5'-ACCGTGAAGGGCTCCGACTGGCTGGGGGACCAGGATGCCATCCACTACATGACGGAGCAG[G>A]CCCCCGCCGCCGTGGTCGAGGTGATGGGCGGGAGGCTCTGGGTGTTCTCGTGGTCTGTTT-3'
Protein context (NP_004159.2, residues 136-156): QDAIHYMTEQ[Ala146Thr]PAAVVELENY